The following is an entry in ClinVar:

NM_006939.4(SOS2):c.2111G>C (p.Arg704Thr)

Gene: SOS2 (SOS Ras/Rho guanine nucleotide exchange factor 2; minus strand). Cytogenetic location: 14q21.3.
Variant type: single nucleotide variant.
Coding change: c.2111G>C on transcript NM_006939.4 (MANE Select); coding-DNA position 2111, G replaced by C.
Protein change: p.Arg704Thr; replaces arginine 704 with threonine.
Molecular consequence: missense variant.
Genome position (GRCh38, 1-based): chr14:50,153,120, C>G on the plus strand (G>C on the coding strand, the complement: SOS2 is on the minus strand). VCF-style: chr14-50153120-C-G. GRCh37 (hg19) VCF-style: chr14-50619838-C-G.
Other names: c.2012G>C, p.Arg671Thr (NM_001411020.1); short protein forms R704T, R671T.
Identifiers: ClinVar variation 4614993 (VCV004614993.1).

ClinVar aggregate classification (germline): Uncertain significance (1 of 4 stars; one submission).

Conditions:
Cardiovascular phenotype. Identifiers: MedGen CN230736.

Submission:

Ambry Genetics
Classification: Uncertain significance for Cardiovascular phenotype. Last evaluated: 2025-11-16. Review status: criteria provided, single submitter. Criteria: Ambry Variant Classification Scheme 2023. Collection method: clinical testing. Allele origin: germline.
Comment: The p.R704T variant (also known as c.2111G>C), located in coding exon 13 of the SOS2 gene, results from a G to C substitution at nucleotide position 2111. The arginine at codon 704 is replaced by threonine, an amino acid with similar properties. This amino acid position is conserved. In addition, this alteration is predicted to be tolerated by in silico analysis. Based on the available evidence, the clinical significance of this variant remains unclear.